The following is an entry in ClinVar:

NM_014140.4(SMARCAL1):c.1831C>T (p.Arg611Cys)

Gene: SMARCAL1 (SNF2 related chromatin remodeling annealing helicase 1; plus strand). Cytogenetic location: 2q35.
Variant type: single nucleotide variant.
Coding change: c.1831C>T on transcript NM_014140.4 (MANE Select); coding-DNA position 1831, C replaced by T.
Protein change: p.Arg611Cys; replaces arginine 611 with cysteine.
Molecular consequence: missense variant.
Genome position (GRCh38, 1-based): chr2:216,447,138, C>T. VCF-style: chr2-216447138-C-T. GRCh37 (hg19) VCF-style: chr2-217311861-C-T.
Other names: c.1831C>T, p.Arg611Cys (NM_001127207.2); short protein forms R611C.
Identifiers: ClinVar variation 2572930 (VCV002572930.1), dbSNP rs1694335277, ClinGen allele CA350501838.

ClinVar aggregate classification (germline): Uncertain significance (1 of 4 stars; one submission).

Allele frequency attached by ClinVar (database versions not stated): gnomAD exomes below 0.00001.
gnomAD v4.1: 4 of 1,614,062 alleles (0.00025%); highest among the groups gnomAD compares: Non-Finnish European, 0.00025%; no homozygotes.

Submission:

GeneDx
Classification: Uncertain significance. Last evaluated: 2023-01-17. Review status: criteria provided, single submitter. Criteria: GeneDx Variant Classification Process June 2021. Collection method: clinical testing. Allele origin: germline. Affected: yes.
Comment: Not observed at significant frequency in large population cohorts (gnomAD); In silico analysis supports that this missense variant has a deleterious effect on protein structure/function; Has not been previously published as pathogenic or benign to our knowledge